The following is an entry in ClinVar:

NM_015450.3(POT1):c.449T>G (p.Leu150Ter)

Gene: POT1 (protection of telomeres 1; minus strand). Cytogenetic location: 7q31.33.
Variant type: single nucleotide variant.
Coding change: c.449T>G on transcript NM_015450.3 (MANE Select); coding-DNA position 449, T replaced by G.
Protein change: p.Leu150Ter; replaces leucine 150 with a stop codon.
Molecular consequence: nonsense. On other transcripts: non-coding transcript variant (3).
Genome position (GRCh38, 1-based): chr7:124,863,447, A>C on the plus strand (T>G on the coding strand, the complement: POT1 is on the minus strand). VCF-style: chr7-124863447-A-C. GRCh37 (hg19) VCF-style: chr7-124503501-A-C.
Other names: c.56T>G, p.Leu19Ter (NM_001042594.2); short protein forms L150*, L19*.
Identifiers: ClinVar variation 863895 (VCV000863895.8), dbSNP rs918544320, ClinGen allele CA369059212.

ClinVar aggregate classification (germline): Pathogenic (1 of 4 stars; one submission).

Conditions:
Tumor predisposition syndrome 3 (TPDS3). Also called: Melanoma, cutaneous malignant, susceptibility to, 10; Glioma susceptibility 9; LONG TELOMERE SYNDROME, POT1-RELATED; POT1 Tumor Predisposition. Identifiers: Orphanet 618, MedGen C4014476, MONDO:0014368, OMIM 615848.

Submission:

Labcorp Genetics (formerly Invitae), Labcorp
Classification: Pathogenic for Tumor predisposition syndrome 3. Last evaluated: 2021-07-29. Review status: criteria provided, single submitter. Criteria: Invitae Variant Classification Sherloc (09022015). Collection method: clinical testing. Allele origin: germline.
Comment: This sequence change creates a premature translational stop signal (p.Leu150*) in the POT1 gene. It is expected to result in an absent or disrupted protein product. Loss-of-function variants in POT1 are known to be pathogenic (PMID: 32155570). This variant is not present in population databases (ExAC no frequency). This variant has not been reported in the literature in individuals affected with POT1-related conditions. For these reasons, this variant has been classified as Pathogenic.

Literature cited by the submitters: PubMed 32155570.